The following is an entry in ClinVar:

NM_001211.6(BUB1B):c.2084C>T (p.Thr695Ile)

Gene: BUB1B (BUB1 mitotic checkpoint serine/threonine kinase B; plus strand). Cytogenetic location: 15q15.1.
Variant type: single nucleotide variant.
Coding change: c.2084C>T on transcript NM_001211.6 (MANE Select); coding-DNA position 2084, C replaced by T.
Protein change: p.Thr695Ile; replaces threonine 695 with isoleucine.
Molecular consequence: missense variant.
Genome position (GRCh38, 1-based): chr15:40,208,711, C>T. VCF-style: chr15-40208711-C-T. GRCh37 (hg19) VCF-style: chr15-40500912-C-T.
Other names: short protein forms T695I.
Identifiers: ClinVar variation 5033504 (VCV005033504.1).

ClinVar aggregate classification (germline): Uncertain significance (1 of 4 stars; one submission).

Conditions:
Inborn genetic diseases. Identifiers: MedGen C0950123, MeSH D030342.

Submission:

Ambry Genetics
Classification: Uncertain significance for Inborn genetic diseases. Last evaluated: 2026-06-21. Review status: criteria provided, single submitter. Criteria: Ambry Variant Classification Scheme 2023. Collection method: clinical testing. Allele origin: germline.
Comment: The p.T695I variant (also known as c.2084C>T), located in coding exon 16 of the BUB1B gene, results from a C to T substitution at nucleotide position 2084. The threonine at codon 695 is replaced by isoleucine, an amino acid with similar properties. This amino acid position is conserved. In addition, this alteration is predicted to be tolerated by in silico analysis. Based on the available evidence, the clinical significance of this variant remains unclear.